The following is an entry in ClinVar:

NM_001079802.2(FKTN):c.482A>G (p.His161Arg)

Gene: FKTN (fukutin; plus strand). Cytogenetic location: 9q31.2.
Variant type: single nucleotide variant.
Coding change: c.482A>G on transcript NM_001079802.2 (MANE Select); coding-DNA position 482, A replaced by G.
Protein change: p.His161Arg; replaces histidine 161 with arginine.
Molecular consequence: missense variant. On other transcripts: non-coding transcript variant (2).
Genome position (GRCh38, 1-based): chr9:105,604,327, A>G. VCF-style: chr9-105604327-A-G. GRCh37 (hg19) VCF-style: chr9-108366608-A-G.
Other names: p.H161R:CAC>CGC; c.482A>G, p.His161Arg (NM_001198963.2, NM_001351496.2, NM_001351498.2 and 1 more transcripts); c.413A>G, p.His138Arg (NM_001351497.2); c.86A>G, p.His29Arg (NM_001351499.2, NM_001351500.2, NM_001351501.2 and 1 more transcripts); short protein forms H161R, H138R, H29R.
Identifiers: ClinVar variation 162570 (VCV000162570.10), dbSNP rs727502848, ClinGen allele CA295372.

ClinVar aggregate classification (germline): Uncertain significance. Review status: criteria provided, multiple submitters, no conflicts (2 of 4 stars). 2 submissions from 2 submitters: Uncertain significance (2). Last evaluated 2021-09-01.

Conditions:
Walker-Warburg congenital muscular dystrophy. Also called: Muscular dystrophy-dystroglycanopathy, type A; Walker-Warburg syndrome. Identifiers: Orphanet 899, MedGen C0265221, MONDO:0000171.

Allele frequency attached by ClinVar (database versions not stated): gnomAD exomes 0.00001; TOPMed 0.00001.

Submissions (2):

Labcorp Genetics (formerly Invitae), Labcorp
Classification: Uncertain significance for Walker-Warburg congenital muscular dystrophy. Last evaluated: 2021-09-01. Review status: criteria provided, single submitter. Criteria: Invitae Variant Classification Sherloc (09022015). Collection method: clinical testing. Allele origin: germline.
Comment: This sequence change replaces histidine with arginine at codon 161 of the FKTN protein (p.His161Arg). The histidine residue is highly conserved and there is a small physicochemical difference between histidine and arginine. This variant is not present in population databases (ExAC no frequency). This variant has not been reported in the literature in individuals affected with FKTN-related conditions. ClinVar contains an entry for this variant (Variation ID: 162570). Algorithms developed to predict the effect of missense changes on protein structure and function are either unavailable or do not agree on the potential impact of this missense change (SIFT: "Tolerated"; PolyPhen-2: "Probably Damaging"; Align-GVGD: "Class C0"). In summary, the available evidence is currently insufficient to determine the role of this variant in disease. Therefore, it has been classified as a Variant of Uncertain Significance.

GeneDx
Classification: Uncertain significance. Last evaluated: 2014-09-02. Review status: criteria provided, single submitter. Criteria: GeneDx Variant Classification (06012015). Collection method: clinical testing. Allele origin: germline. Affected: yes.
Comment: p.His161Arg (CAC>CGC): c.482 A>G in exon 6 of the FKTN gene (NM_001079802.1) Although rare, mutations in the FKTN gene have been reported in association with isolated DCM (Murakami T et al., 2006). To date, all individuals reported with apparently isolated DCM caused by mutations in the FKTN gene have been compound heterozygous for a missense mutation and a 3kb retrotransposal insertion in the 3'UTR. The 3kb retrotransposal insertion is common to individuals of Japanese ancestry (Arimura T et al., 2009; Murakami T et al., 2006). The H161R variant has not been published as a mutation, nor has it been reported as a benign polymorphism to our knowledge. The H161R variant was not observed in approximately 6500 individuals of European and African American ancestry in the NHLBI Exome Sequencing Project, indicating it is not a common benign variant in these populations. The H161R substitution occurs at a position that is conserved across species. In silico analysis predicts this variant is probably damaging to the protein structure/function. However, only one missense mutation in a nearby residue (A170E) has been reported in association with muscular dystrophy. Additionally, H161R is a conservative amino acid substitution, which is not likely to impact secondary protein structure as these residues share similar properties. Therefore, based on the currently available information, it is unclear whether this variant is a pathogenic mutation or a rare benign variant. The variant is found in CARDIOMYOPATHY panel(s).